The following is an entry in ClinVar:

ClinVar aggregate classification (germline): Likely pathogenic (1 of 4 stars; one submission).

Submission:

GeneDx
Classification: Likely pathogenic. Last evaluated: 2025-01-23. Review status: criteria provided, single submitter. Criteria: GeneDx Variant Classification Process June 2021. Collection method: clinical testing. Allele origin: germline. Affected: yes.
Comment: Not observed at significant frequency in large population cohorts (gnomAD); In silico analysis supports that this missense variant has a deleterious effect on protein structure/function; This variant is associated with the following publications: (PMID: 34791078)

NM_001323289.2(CDKL5):c.401G>A (p.Arg134Gln)

Gene: CDKL5 (cyclin dependent kinase like 5; plus strand). Cytogenetic location: Xp22.13.
Variant type: single nucleotide variant.
Coding change: c.401G>A on transcript NM_001323289.2 (MANE Select); coding-DNA position 401, G replaced by A.
Protein change: p.Arg134Gln; replaces arginine 134 with glutamine.
Molecular consequence: missense variant.
Genome position (GRCh38, 1-based): chrX:18,579,966, G>A. VCF-style: chrX-18579966-G-A. GRCh37 (hg19) VCF-style: chrX-18598086-G-A.
Other names: c.401G>A, p.Arg134Gln (NM_001037343.2, NM_003159.3); short protein forms R134Q.
Identifiers: ClinVar variation 4795459 (VCV004795459.1).